The following is an entry in ClinVar:

ClinVar aggregate classification (germline): Pathogenic (1 of 4 stars; one submission).

Conditions:
Charcot-Marie-Tooth disease axonal type 2V. Also called: CHARCOT-MARIE-TOOTH NEUROPATHY, TYPE 2V; CHARCOT-MARIE-TOOTH DISEASE, AXONAL, AUTOSOMAL DOMINANT, TYPE 2V. Identifiers: Orphanet 447964, MedGen C5569050, MONDO:0014665, OMIM 616491.
Mucopolysaccharidosis, MPS-III-B (MPS3B). Also called: N-ACETYL-ALPHA-D-GLUCOSAMINIDASE DEFICIENCY; NAGLU DEFICIENCY; SANFILIPPO SYNDROME B; MPS III B; Mucopolysaccharidosis type IIIB (Sanfilippo B); MUCOPOLYSACCHARIDOSIS, TYPE IIIB. Identifiers: Orphanet 79270, MedGen C0086648, MONDO:0009656, OMIM 252920.

Submission:

Labcorp Genetics (formerly Invitae), Labcorp
Classification: Pathogenic for Charcot-Marie-Tooth disease axonal type 2V; Mucopolysaccharidosis, MPS-III-B. Last evaluated: 2023-09-30. Review status: criteria provided, single submitter. Criteria: Invitae Variant Classification Sherloc (09022015). Collection method: clinical testing. Allele origin: germline.
Comment: This sequence change creates a premature translational stop signal (p.Leu199Trpfs*40) in the NAGLU gene. It is expected to result in an absent or disrupted protein product. Loss-of-function variants in NAGLU are known to be pathogenic (PMID: 9832037, 10094189, 16151907). This variant is not present in population databases (gnomAD no frequency). This variant has not been reported in the literature in individuals affected with NAGLU-related conditions. For these reasons, this variant has been classified as Pathogenic.

Literature cited by the submitters: PubMed 9832037; PubMed 10094189; PubMed 16151907.

NM_000263.4(NAGLU):c.595del (p.Leu199fs)

Gene: NAGLU (N-acetyl-alpha-glucosaminidase; plus strand). Cytogenetic location: 17q21.2.
Variant type: Deletion.
Coding change: c.595del on transcript NM_000263.4 (MANE Select); coding-DNA position 595, one base deleted (C; older notation c.595delC).
Protein change: p.Leu199fs; shifts the reading frame from leucine 199.
Molecular consequence: frameshift variant.
Genome position (GRCh38, 1-based): chr17:42,538,402, C deleted; the last of 2 consecutive C bases (chr17:42,538,401-42,538,402); deleting either gives the same sequence. VCF-style (leftmost placement, unchanged base first): chr17-42538400-TC-T. GRCh37 (hg19) VCF-style: chr17-40690418-TC-T.
Other names: short protein forms L199fs.
Identifiers: ClinVar variation 2946754 (VCV002946754.3), dbSNP rs2510653230, ClinGen allele CA2740095364.